The following is an entry in ClinVar:

NM_001130823.3(DNMT1):c.3116+327C>T

Gene: DNMT1 (DNA methyltransferase 1; minus strand). Cytogenetic location: 19p13.2.
Variant type: single nucleotide variant.
Coding change: c.3116+327C>T on transcript NM_001130823.3 (MANE Select); 327 bases into the intron after coding-DNA position 3116, C replaced by T.
Molecular consequence: intron variant.
Genome position (GRCh38, 1-based): chr19:10,143,439, G>A on the plus strand (C>T on the coding strand, the complement: DNMT1 is on the minus strand). VCF-style: chr19-10143439-G-A. GRCh37 (hg19) VCF-style: chr19-10254115-G-A.
Other names: c.2753+327C>T (NM_001318731.2); c.3068+327C>T (NM_001379.4, NM_001318730.2).
Identifiers: ClinVar variation 668555 (VCV000668555.1), dbSNP rs28501615, ClinGen allele CA305223296.

ClinVar aggregate classification (germline): Benign (1 of 4 stars; one submission).

Allele frequency attached by ClinVar (database versions not stated): gnomAD 0.01589 and 0.01692; 1000 Genomes Project 0.01757; TOPMed 0.01759; 1000 Genomes Project 30x 0.01952.
gnomAD v4.1: 2,286 of 145,404 alleles (1.6%); highest among the groups gnomAD compares: African/African-American, 5.6%; 70 homozygotes.

Submission:

GeneDx
Classification: Benign. Last evaluated: 2018-06-16. Review status: criteria provided, single submitter. Criteria: GeneDx Variant Classification (06012015). Collection method: clinical testing. Allele origin: germline. Affected: yes.
Comment: This variant is considered likely benign or benign based on one or more of the following criteria: it is a conservative change, it occurs at a poorly conserved position in the protein, it is predicted to be benign by multiple in silico algorithms, and/or has population frequency not consistent with disease.